The following is an entry in ClinVar:

NM_001379200.1(TBX1):c.187GCC[3] (p.Ala66del)

Gene: TBX1 (T-box transcription factor 1; plus strand). Cytogenetic location: 22q11.21.
Variant type: Microsatellite.
Coding change: c.187GCC[3] on transcript NM_001379200.1 (MANE Select); three copies in a row of the 3-base unit GCC starting at c.187; the reference has four copies in a row; one copy, 3 bases deleted.
Protein change: p.Ala66del; deletes alanine 66.
Molecular consequence: inframe deletion.
Genome position (GRCh38, 1-based): chr22:19,761,039-19,761,041, GCC deleted; deleting any 3 consecutive bases within chr22:19,761,029-19,761,041 gives the same sequence; the position shown is the placement nearest the transcript's 3' end. VCF-style (leftmost placement, unchanged base first): chr22-19761028-GCGC-G. GRCh37 (hg19) VCF-style: chr22-19748551-GCGC-G.
Other names: c.160GCC[3], p.Ala57del (NM_005992.1, NM_080646.2, NM_080647.1); short protein forms A57del, A66del.
Identifiers: ClinVar variation 2989531 (VCV002989531.3), dbSNP rs1032291296, ClinGen allele CA2396029290.

ClinVar aggregate classification (germline): Uncertain significance (1 of 4 stars; one submission).

Conditions:
DiGeorge syndrome. Also called: THIRD AND FOURTH PHARYNGEAL POUCH SYNDROME; Catch22. Identifiers: Orphanet 567, MedGen C0012236, MONDO:0008564, OMIM 188400.

Submission:

Labcorp Genetics (formerly Invitae), Labcorp
Classification: Uncertain significance for DiGeorge syndrome. Last evaluated: 2024-03-20. Review status: criteria provided, single submitter. Criteria: Invitae Variant Classification Sherloc (09022015). Collection method: clinical testing. Allele origin: germline.
Comment: This variant, c.169_171del, results in the deletion of 1 amino acid(s) of the TBX1 protein (p.Ala57del), but otherwise preserves the integrity of the reading frame. The frequency data for this variant in the population databases is considered unreliable, as metrics indicate insufficient coverage at this position in the gnomAD database. This variant has not been reported in the literature in individuals affected with TBX1-related conditions. Experimental studies and prediction algorithms are not available or were not evaluated, and the functional significance of this variant is currently unknown. In summary, the available evidence is currently insufficient to determine the role of this variant in disease. Therefore, it has been classified as a Variant of Uncertain Significance.